The following is an entry in ClinVar:

ClinVar aggregate classification (germline): Benign/Likely benign. Review status: criteria provided, multiple submitters, no conflicts (2 of 4 stars). 14 submissions from 14 submitters: Benign (6); Likely benign (7). 1 of the submissions does not count toward it. Last evaluated 2026-02-02.

Conditions:
BARD1-related disorder. Also called: BARD1-related condition.
Hereditary cancer-predisposing syndrome. Also called: Tumor predisposition; Neoplastic Syndromes, Hereditary; Hereditary neoplastic syndrome; Hereditary Cancer Syndrome. Identifiers: Orphanet 140162, MedGen C0027672, MeSH D009386, MONDO:0015356.
Hereditary breast ovarian cancer syndrome. Also called: Hereditary breast and ovarian cancer syndrome; Hereditary breast and ovarian cancer syndrome (HBOC); Hereditary breast and ovarian cancer; Breast and ovarian cancer; BRCA1- and BRCA2-Associated Hereditary Breast and Ovarian Cancer; Hereditary breast and/or ovarian cancer syndrome. Identifiers: Orphanet 145, MedGen C0677776, MeSH D061325, MONDO:0003582. Disease mechanism: loss of function.
Familial cancer of breast. Also called: BREAST CANCER, FAMILIAL; hereditary breast carcinoma; Hereditary breast cancer. Identifiers: Orphanet 227535, MedGen C0346153, MONDO:0016419, OMIM 114480. Disease mechanism: loss of function.

Allele frequency attached by ClinVar (database versions not stated): gnomAD exomes 0.00007 and 0.00015; ExAC 0.00016; 1000 Genomes Project 30x 0.00047; 1000 Genomes Project 0.00060; ESP Exome Variant Server 0.00081; TOPMed 0.00081; gnomAD 0.00084 and 0.00088.
gnomAD v4.1: 232 of 1,609,568 alleles (0.014%); highest among the groups gnomAD compares: African/African-American, 0.29%; no homozygotes.

Submissions (14):

Labcorp Genetics (formerly Invitae), Labcorp
Classification: Benign for Familial cancer of breast. Last evaluated: 2026-02-02. Review status: criteria provided, single submitter. Criteria: Invitae Variant Classification Sherloc (09022015). Collection method: clinical testing. Allele origin: germline.

Myriad Genetics, Inc.
Classification: Benign for Familial cancer of breast. Last evaluated: 2024-07-18. Review status: criteria provided, single submitter. Criteria: Myriad Autosomal Dominant, Autosomal Recessive and X-Linked Classification Criteria (2023). Collection method: clinical testing. Allele origin: unknown.
Comment: This variant is considered benign. This variant is a silent/synonymous amino acid change and it is not expected to impact splicing.

Department of Pathology and Laboratory Medicine, Sinai Health System
Classification: Likely benign for Familial cancer of breast. Last evaluated: 2023-08-15. Review status: criteria provided, single submitter. Criteria: ACMG Guidelines, 2015. Collection method: clinical testing. Allele origin: germline. Affected: yes.

Quest Diagnostics Nichols Institute San Juan Capistrano
Classification: Benign. Last evaluated: 2023-02-09. Review status: criteria provided, single submitter. Criteria: Quest Diagnostics criteria. Collection method: clinical testing. Allele origin: unknown.

Blueprint Genetics
Classification: Likely benign. Last evaluated: 2022-11-30. Review status: criteria provided, single submitter. Criteria: ACMG Guidelines, 2015. Collection method: clinical testing. Allele origin: germline.

National Health Laboratory Service, Universitas Academic Hospital and University of the Free State
Classification: Likely benign for Hereditary breast ovarian cancer syndrome. Last evaluated: 2022-04-19. Review status: criteria provided, single submitter. Criteria: ACMG Guidelines, 2015. Collection method: clinical testing. Allele origin: germline. Affected: yes. Observed: 3 variant alleles.

Sema4
Classification: Likely benign for Hereditary cancer-predisposing syndrome. Last evaluated: 2021-04-02. Review status: criteria provided, single submitter. Criteria: Sema4 Curation Guidelines. Collection method: curation. Allele origin: germline.

ARUP Laboratories, Molecular Genetics and Genomics, ARUP Laboratories
Classification: Likely benign. Last evaluated: 2019-06-21. Review status: criteria provided, single submitter. Criteria: ARUP Molecular Germline Variant Investigation Process. Collection method: clinical testing. Allele origin: germline.

Illumina Laboratory Services, Illumina
Classification: Likely benign for Familial cancer of breast. Last evaluated: 2018-01-13. Review status: criteria provided, single submitter. Criteria: ICSL Variant Classification Criteria 13 December 2019. Collection method: clinical testing. Allele origin: germline.
Comment: This variant was observed in the ICSL laboratory as part of a predisposition screen in an ostensibly healthy population. It had not been previously curated by ICSL or reported in the Human Gene Mutation Database (HGMD: prior to June 1st, 2018), and was therefore a candidate for classification through an automated scoring system. Utilizing variant allele frequency, disease prevalence and penetrance estimates, and inheritance mode, an automated score was calculated to assess if this variant is too frequent to cause the disease. Based on the score and internal cut-off values, a variant classified as likely benign is not then subjected to further curation. The score for this variant resulted in a classification of likely benign for this disease.

Women's Health and Genetics/Laboratory Corporation of America, LabCorp
Classification: Benign. Last evaluated: 2016-05-02. Review status: criteria provided, single submitter. Criteria: LabCorp Variant Classification Summary - May 2015. Collection method: clinical testing. Allele origin: germline.
Comment: Variant summary: The c.90T>A (p.Gly30=) in BARD1 gene is a synonymous change that involves a non-conserved nucleotide. 3/5 programs in Alamut predict that this variant does not affect normal splicing, however no functional studies supporting this notion were published at the time of evaluation. The variant is present in the control population dataset of ExAC at frequency of 0.00016 (16/98040 chrs tested), exclusively in individuals of African origin (0.0025; 16/6376 control chrs). This frequency exceeds the maximal expected frequency of a pathogenic allele (0.000125) in this gene. The variant of interest was cited as Benign/Likely Benign by multiple reputable clinical laboratories. Taking together, the variant was classified as Benign.

Color Diagnostics, LLC DBA Color Health
Classification: Benign for Hereditary cancer-predisposing syndrome. Last evaluated: 2016-04-28. Review status: criteria provided, single submitter. Criteria: ACMG Guidelines, 2015. Collection method: clinical testing. Allele origin: germline.

Ambry Genetics
Classification: Likely benign for Hereditary cancer-predisposing syndrome. Last evaluated: 2014-10-07. Review status: criteria provided, single submitter. Criteria: Ambry Variant Classification Scheme 2023. Collection method: clinical testing. Allele origin: germline.

GeneDx
Classification: Benign. Last evaluated: 2014-08-07. Review status: criteria provided, single submitter. Criteria: GeneDx Variant Classification (06012015). Collection method: clinical testing. Allele origin: germline. Affected: yes.
Comment: This variant is considered likely benign or benign based on one or more of the following criteria: it is a conservative change, it occurs at a poorly conserved position in the protein, it is predicted to be benign by multiple in silico algorithms, and/or has population frequency not consistent with disease.

PreventionGenetics, part of Exact Sciences
Classification: Likely benign for BARD1-related condition. Last evaluated: 2019-04-29. Review status: no assertion criteria provided. Collection method: clinical testing. Allele origin: germline. Not counted in ClinVar's aggregate classification.
Comment: This variant is classified as likely benign based on ACMG/AMP sequence variant interpretation guidelines (Richards et al. 2015 PMID: 25741868, with internal and published modifications).

Literature cited by the submitters: PubMed 26787654 (cited by Quest Diagnostics Nichols Institute San Juan Capistrano and Women's Health and Genetics/Laboratory Corporation of America, LabCorp).

NM_000465.4(BARD1):c.90T>A (p.Gly30=)

Gene: BARD1 (BRCA1 associated RING domain 1; minus strand). Cytogenetic location: 2q35.
Variant type: single nucleotide variant.
Coding change: c.90T>A on transcript NM_000465.4 (MANE Select); coding-DNA position 90, T replaced by A.
Protein change: p.Gly30=; no amino-acid change (glycine 30 retained).
Molecular consequence: synonymous variant. On other transcripts: non-coding transcript variant (3).
Genome position (GRCh38, 1-based): chr2:214,809,480, A>T on the plus strand (T>A on the coding strand, the complement: BARD1 is on the minus strand). VCF-style: chr2-214809480-A-T. GRCh37 (hg19) VCF-style: chr2-215674204-A-T.
Other names: p.G30G:GGT>GGA; NP_000456.2:p.Gly30=; c.90T>A, p.Gly30= (NM_001282543.2, NM_001282545.2, NM_001282548.2 and 1 more transcripts).
Identifiers: ClinVar variation 182030 (VCV000182030.36), dbSNP rs150354152, ClinGen allele CA298433.